The following is an entry in ClinVar:

ClinVar aggregate classification (germline): Likely benign (1 of 4 stars; one submission).

Submission:

CeGaT Center for Human Genetics Tuebingen
Classification: Likely benign. Last evaluated: 2025-11-01. Review status: criteria provided, single submitter. Criteria: CeGaT Center For Human Genetics Tuebingen Variant Classification Criteria Version 2. Collection method: clinical testing. Allele origin: germline. Affected: yes. Observed: 2 variant alleles.
Comment: MAPK8IP3: PM2:Supporting, BP4, BP7

NM_001318852.2(MAPK8IP3):c.1401G>A (p.Lys467=)

Gene: MAPK8IP3 (mitogen-activated protein kinase 8 interacting protein 3; plus strand). Cytogenetic location: 16p13.3.
Variant type: single nucleotide variant.
Coding change: c.1401G>A on transcript NM_001318852.2 (MANE Select); coding-DNA position 1401, G replaced by A.
Protein change: p.Lys467=; no amino-acid change (lysine 467 retained).
Molecular consequence: synonymous variant.
Genome position (GRCh38, 1-based): chr16:1,760,476, G>A. VCF-style: chr16-1760476-G-A. GRCh37 (hg19) VCF-style: chr16-1810477-G-A.
Other names: c.1380G>A, p.Lys460= (NM_001040439.2); c.1398G>A, p.Lys466= (NM_015133.5).
Identifiers: ClinVar variation 3388766 (VCV003388766.14).